The following is an entry in ClinVar:

ClinVar aggregate classification (germline): Uncertain significance (1 of 4 stars; one submission).

Allele frequency attached by ClinVar (database versions not stated): ExAC 0.00013; gnomAD 0.00015; TOPMed 0.00015; ESP Exome Variant Server 0.00031.
gnomAD v4.1: 419 of 1,613,722 alleles (0.026%); highest among the groups gnomAD compares: Non-Finnish European, 0.032%; no homozygotes.

Submission:

Labcorp Genetics (formerly Invitae), Labcorp
Classification: Uncertain significance. Last evaluated: 2025-03-29. Review status: criteria provided, single submitter. Criteria: Invitae Variant Classification Sherloc (09022015). Collection method: clinical testing. Allele origin: germline.
Comment: This sequence change replaces threonine, which is neutral and polar, with methionine, which is neutral and non-polar, at codon 273 of the ADAMTS9 protein (p.Thr273Met). This variant is present in population databases (rs111904513, gnomAD 0.03%). This variant has not been reported in the literature in individuals affected with ADAMTS9-related conditions. ClinVar contains an entry for this variant (Variation ID: 2724457). An algorithm developed to predict the effect of missense changes on protein structure and function (PolyPhen-2) suggests that this variant is likely to be tolerated. In summary, the available evidence is currently insufficient to determine the role of this variant in disease. Therefore, it has been classified as a Variant of Uncertain Significance.

NM_182920.2(ADAMTS9):c.818C>T (p.Thr273Met)

Gene: ADAMTS9 (ADAM metallopeptidase with thrombospondin type 1 motif 9; minus strand). Cytogenetic location: 3p14.1.
Variant type: single nucleotide variant.
Coding change: c.818C>T on transcript NM_182920.2 (MANE Select); coding-DNA position 818, C replaced by T.
Protein change: p.Thr273Met; replaces threonine 273 with methionine.
Molecular consequence: missense variant.
Genome position (GRCh38, 1-based): chr3:64,658,653, G>A on the plus strand (C>T on the coding strand, the complement: ADAMTS9 is on the minus strand). VCF-style: chr3-64658653-G-A. GRCh37 (hg19) VCF-style: chr3-64644329-G-A.
Other names: c.818C>T, p.Thr273Met (NM_001318781.2); short protein forms T273M.
Identifiers: ClinVar variation 2724457 (VCV002724457.3), dbSNP rs111904513, ClinGen allele CA2481764.